The following is an entry in ClinVar:

NM_014698.3(TMEM63A):c.2085C>T (p.Pro695=)

Gene: TMEM63A (transmembrane protein 63A; minus strand). Cytogenetic location: 1q42.12.
Variant type: single nucleotide variant.
Coding change: c.2085C>T on transcript NM_014698.3 (MANE Select); coding-DNA position 2085, C replaced by T.
Protein change: p.Pro695=; no amino-acid change (proline 695 retained).
Molecular consequence: synonymous variant.
Genome position (GRCh38, 1-based): chr1:225,848,999, G>A on the plus strand (C>T on the coding strand, the complement: TMEM63A is on the minus strand). VCF-style: chr1-225848999-G-A. GRCh37 (hg19) VCF-style: chr1-226036700-G-A.
Identifiers: ClinVar variation 3250821 (VCV003250821.18), dbSNP rs557058925.

ClinVar aggregate classification (germline): Likely benign (1 of 4 stars; one submission).

Allele frequency attached by ClinVar (database versions not stated): gnomAD 0.00002; 1000 Genomes Project 30x 0.00016; 1000 Genomes Project 0.00020.
gnomAD v4.1: 22 of 1,586,370 alleles (0.0014%); highest among the groups gnomAD compares: South Asian, 0.014%; no homozygotes.

Submission:

CeGaT Center for Human Genetics Tuebingen
Classification: Likely benign. Last evaluated: 2024-06-01. Review status: criteria provided, single submitter. Criteria: CeGaT Center For Human Genetics Tuebingen Variant Classification Criteria Version 2. Collection method: clinical testing. Allele origin: germline. Affected: yes. Observed: 1 variant allele.
Comment: TMEM63A: BP4, BP7